The following is an entry in ClinVar:

NM_020975.6(RET):c.2096C>T (p.Ser699Phe)

Gene: RET (ret proto-oncogene; plus strand). Cytogenetic location: 10q11.21.
Variant type: single nucleotide variant.
Coding change: c.2096C>T on transcript NM_020975.6 (MANE Select); coding-DNA position 2096, C replaced by T.
Protein change: p.Ser699Phe; replaces serine 699 with phenylalanine.
Molecular consequence: missense variant.
Genome position (GRCh38, 1-based): chr10:43,114,696, C>T. VCF-style: chr10-43114696-C-T. GRCh37 (hg19) VCF-style: chr10-43610144-C-T.
Other names: c.2096C>T, p.Ser699Phe (NM_000323.2, NM_001406743.1, NM_001406744.1 and 4 more transcripts); c.1334C>T, p.Ser445Phe (NM_001355216.2); c.1967C>T, p.Ser656Phe (NM_001406761.1, NM_001406762.1, NM_001406764.1); c.1961C>T, p.Ser654Phe (NM_001406763.1, NM_001406765.1); c.1808C>T, p.Ser603Phe (NM_001406766.1, NM_001406767.1, NM_001406770.1); c.1832C>T, p.Ser611Phe (NM_001406768.1); c.1700C>T, p.Ser567Phe (NM_001406769.1, NM_001406772.1); c.1658C>T, p.Ser553Phe (NM_001406771.1, NM_001406773.1); and 10 more; short protein forms S445F, S699F, S264F, S611F, S357F, S360F, S369F, S400F.
Identifiers: ClinVar variation 1377980 (VCV001377980.10), dbSNP rs1838030910, ClinGen allele CA376553300.
Genomic context (GRCh38, chr10:43,114,696, plus strand): 5'-CCGCCCAGGCCTTCCCGGTCAGCTACTCCTCTTCCGGTGCCCGCCGGCCCTCGCTGGACT[C>T]CATGGAGAACCAGGTCTCCGTGGATGCCTTCAAGATCCTGGTGAGGGTCCCTGCGGGGCA-3'
Protein context (NP_066124.1, residues 689-709): SSGARRPSLD[Ser699Phe]MENQVSVDAF

ClinVar aggregate classification (germline): Uncertain significance. Review status: criteria provided, multiple submitters, no conflicts (2 of 4 stars). 2 submissions from 2 submitters: Uncertain significance (2). Last evaluated 2025-06-25.

Conditions:
Hereditary cancer-predisposing syndrome. Also called: Neoplastic Syndromes, Hereditary; Hereditary Cancer Syndrome; Tumor predisposition; Hereditary neoplastic syndrome. Identifiers: Orphanet 140162, MedGen C0027672, MeSH D009386, MONDO:0015356.
Multiple endocrine neoplasia, type 2 (MEN2). Identifiers: Orphanet 653, MedGen C4048306, MONDO:0019003. Disease mechanism: gain of function.

Allele frequency attached by ClinVar (database versions not stated): TOPMed 0.00001.
gnomAD v4.1: 1 of 1,612,162 alleles (0.000062%); no homozygotes.

Submissions (2):

Labcorp Genetics (formerly Invitae), Labcorp
Classification: Uncertain significance for Multiple endocrine neoplasia, type 2. Last evaluated: 2025-06-25. Review status: criteria provided, single submitter. Criteria: Invitae Variant Classification Sherloc (09022015). Collection method: clinical testing. Allele origin: germline.
Comment: This sequence change replaces serine, which is neutral and polar, with phenylalanine, which is neutral and non-polar, at codon 699 of the RET protein (p.Ser699Phe). This variant is not present in population databases (gnomAD no frequency). This variant has not been reported in the literature in individuals affected with RET-related conditions. ClinVar contains an entry for this variant (Variation ID: 1377980). An algorithm developed to predict the effect of missense changes on protein structure and function (PolyPhen-2) suggests that this variant is likely to be tolerated. In summary, the available evidence is currently insufficient to determine the role of this variant in disease. Therefore, it has been classified as a Variant of Uncertain Significance.

Ambry Genetics
Classification: Uncertain significance for Hereditary cancer-predisposing syndrome. Last evaluated: 2025-01-10. Review status: criteria provided, single submitter. Criteria: Ambry Variant Classification Scheme 2023. Collection method: clinical testing. Allele origin: germline.
Comment: The p.S699F variant (also known as c.2096C>T), located in coding exon 11 of the RET gene, results from a C to T substitution at nucleotide position 2096. The serine at codon 699 is replaced by phenylalanine, an amino acid with highly dissimilar properties. This amino acid position is highly conserved in available vertebrate species. In addition, this alteration is predicted to be deleterious by in silico analysis. Based on the available evidence, the clinical significance of this variant remains unclear.